The following is an entry in ClinVar:

ClinVar aggregate classification (germline): Uncertain significance. Review status: criteria provided, multiple submitters, no conflicts (2 of 4 stars). 3 submissions from 3 submitters: Uncertain significance (3). Last evaluated 2026-03-05.

Conditions:
Inborn genetic diseases. Identifiers: MedGen C0950123, MeSH D030342.

Allele frequency attached by ClinVar (database versions not stated): TOPMed 0.00003; ExAC 0.00005; gnomAD 0.00005; gnomAD exomes 0.00006; ESP Exome Variant Server 0.00008.
gnomAD v4.1: 39 of 1,612,238 alleles (0.0024%); highest among the groups gnomAD compares: East Asian, 0.027%; no homozygotes.

Submissions (3):

GeneDx
Classification: Uncertain significance. Last evaluated: 2026-03-05. Review status: criteria provided, single submitter. Criteria: GeneDx Variant Classification Process June 2021. Collection method: clinical testing. Allele origin: germline.
Comment: In silico analysis suggests that this missense variant does not alter protein structure/function; Has not been previously published as pathogenic or benign to our knowledge

Ambry Genetics
Classification: Uncertain significance for Inborn genetic diseases. Last evaluated: 2025-02-27. Review status: criteria provided, single submitter. Criteria: Ambry Variant Classification Scheme 2023. Collection method: clinical testing. Allele origin: germline.

Labcorp Genetics (formerly Invitae), Labcorp
Classification: Uncertain significance. Last evaluated: 2023-12-25. Review status: criteria provided, single submitter. Criteria: Invitae Variant Classification Sherloc (09022015). Collection method: clinical testing. Allele origin: germline.
Comment: This sequence change replaces arginine, which is basic and polar, with glutamine, which is neutral and polar, at codon 219 of the DSG1 protein (p.Arg219Gln). This variant is present in population databases (rs373006917, gnomAD 0.05%). This variant has not been reported in the literature in individuals affected with DSG1-related conditions. ClinVar contains an entry for this variant (Variation ID: 1489006). Advanced modeling of protein sequence and biophysical properties (such as structural, functional, and spatial information, amino acid conservation, physicochemical variation, residue mobility, and thermodynamic stability) performed at Invitae indicates that this missense variant is not expected to disrupt DSG1 protein function with a negative predictive value of 80%. In summary, the available evidence is currently insufficient to determine the role of this variant in disease. Therefore, it has been classified as a Variant of Uncertain Significance.

NM_001942.4(DSG1):c.656G>A (p.Arg219Gln)

Gene: DSG1 (desmoglein 1; plus strand). Cytogenetic location: 18q12.1.
Variant type: single nucleotide variant.
Coding change: c.656G>A on transcript NM_001942.4 (MANE Select); coding-DNA position 656, G replaced by A.
Protein change: p.Arg219Gln; replaces arginine 219 with glutamine.
Molecular consequence: missense variant.
Genome position (GRCh38, 1-based): chr18:31,331,839, G>A. VCF-style: chr18-31331839-G-A. GRCh37 (hg19) VCF-style: chr18-28911802-G-A.
Other names: c.656G>A (NM_001942.2); short protein forms R219Q.
Identifiers: ClinVar variation 1489006 (VCV001489006.12), dbSNP rs373006917, ClinGen allele CA8925893.